The following is an entry in ClinVar:

NM_001849.4(COL6A2):c.1270-169T>C

Gene: COL6A2 (collagen type VI alpha 2 chain; plus strand). Cytogenetic location: 21q22.3.
Variant type: single nucleotide variant.
Coding change: c.1270-169T>C on transcript NM_001849.4 (MANE Select); 169 bases into the intron before coding-DNA position 1270, T replaced by C.
Molecular consequence: intron variant.
Genome position (GRCh38, 1-based): chr21:46,119,619, T>C. VCF-style: chr21-46119619-T-C. GRCh37 (hg19) VCF-style: chr21-47539533-T-C.
Other names: c.1270-169T>C (NM_058175.3, NM_058174.3).
Identifiers: ClinVar variation 680224 (VCV000680224.2), dbSNP rs9980483, ClinGen allele CA14875498.

ClinVar aggregate classification (germline): Benign. Review status: criteria provided, multiple submitters, no conflicts (2 of 4 stars). 2 submissions from 2 submitters: Benign (2). Last evaluated 2018-06-14.

Allele frequency attached by ClinVar (database versions not stated): gnomAD 0.27073 and 0.27115; TOPMed 0.28705; 1000 Genomes Project 0.31829; 1000 Genomes Project 30x 0.32058.
gnomAD v4.1: 41,095 of 152,138 alleles (27%); highest among the groups gnomAD compares: African/African-American, 43%; 6,543 homozygotes.

Submissions (2):

GeneDx
Classification: Benign. Last evaluated: 2018-06-14. Review status: criteria provided, single submitter. Criteria: GeneDx Variant Classification (06012015). Collection method: clinical testing. Allele origin: germline. Affected: yes.
Comment: This variant is considered likely benign or benign based on one or more of the following criteria: it is a conservative change, it occurs at a poorly conserved position in the protein, it is predicted to be benign by multiple in silico algorithms, and/or has population frequency not consistent with disease.

Breakthrough Genomics
Classification: Benign. Review status: criteria provided, single submitter. Criteria: ACMG Guidelines, 2015. Collection method: not provided. Allele origin: germline. Inheritance: Autosomal recessive inheritance. Affected: yes.